The following is an entry in ClinVar:

NM_000257.4(MYH7):c.4057G>T (p.Ala1353Ser)

Gene: MYH7 (myosin heavy chain 7; minus strand). Cytogenetic location: 14q11.2.
Variant type: single nucleotide variant.
Coding change: c.4057G>T on transcript NM_000257.4 (MANE Select); coding-DNA position 4057, G replaced by T.
Protein change: p.Ala1353Ser; replaces alanine 1353 with serine.
Molecular consequence: missense variant.
Genome position (GRCh38, 1-based): chr14:23,418,322, C>A on the plus strand (G>T on the coding strand, the complement: MYH7 is on the minus strand). VCF-style: chr14-23418322-C-A. GRCh37 (hg19) VCF-style: chr14-23887531-C-A.
Other names: short protein forms A1353S.
Identifiers: ClinVar variation 918383 (VCV000918383.12), dbSNP rs1892314426, ClinGen allele CA389041072.

ClinVar aggregate classification (germline): Uncertain significance. Review status: criteria provided, multiple submitters, no conflicts (2 of 4 stars). 2 submissions from 2 submitters: Uncertain significance (2). Last evaluated 2024-07-30.

Conditions:
Cardiomyopathy (CMYO). Also called: Cardiomyopathies. Identifiers: Orphanet 167848, MedGen C0878544, MONDO:0004994, HP:0001638. Inheritance: Various modes of inheritance.
Hypertrophic cardiomyopathy. Also called: HYPERTROPHIC MYOCARDIOPATHY. Identifiers: Orphanet 217569, MedGen C0007194, MeSH D002312, MONDO:0005045, HP:0001639.

Allele frequency attached by ClinVar (database versions not stated): gnomAD 0.00001.
gnomAD v4.1: 1 of 1,613,698 alleles (0.000062%); highest among the groups gnomAD compares: Admixed American, 0.0017%; no homozygotes.

Submissions (2):

Labcorp Genetics (formerly Invitae), Labcorp
Classification: Uncertain significance for Hypertrophic cardiomyopathy. Last evaluated: 2024-07-30. Review status: criteria provided, single submitter. Criteria: Invitae Variant Classification Sherloc (09022015). Collection method: clinical testing. Allele origin: germline.
Comment: This sequence change replaces alanine, which is neutral and non-polar, with serine, which is neutral and polar, at codon 1353 of the MYH7 protein (p.Ala1353Ser). This variant is not present in population databases (gnomAD no frequency). This variant has not been reported in the literature in individuals affected with MYH7-related conditions. ClinVar contains an entry for this variant (Variation ID: 918383). Advanced modeling of protein sequence and biophysical properties (such as structural, functional, and spatial information, amino acid conservation, physicochemical variation, residue mobility, and thermodynamic stability) performed at Invitae indicates that this missense variant is expected to disrupt MYH7 protein function with a positive predictive value of 95%. In summary, the available evidence is currently insufficient to determine the role of this variant in disease. Therefore, it has been classified as a Variant of Uncertain Significance.

Color Diagnostics, LLC DBA Color Health
Classification: Uncertain significance for Cardiomyopathy. Last evaluated: 2023-12-05. Review status: criteria provided, single submitter. Criteria: ACMG Guidelines, 2015. Collection method: clinical testing. Allele origin: germline.
Comment: Variant of Uncertain Significance due to insufficient evidence: This missense variant replaces alanine with serine at codon 1353 of the MYH7 protein. Computational prediction tools and conservation analyses are inconclusive regarding the impact of this variant on the protein function. Computational splicing tools suggest that this variant may not impact RNA splicing. To our knowledge, functional assays have not been performed for this variant nor has this variant been reported in individuals affected with cardiovascular disorders in the literature. This variant is rare in the general population and has been identified in 0/277264 chromosomes by the Genome Aggregation Database (gnomAD). Available evidence is insufficient to determine the role of this variant in disease conclusively.